The following is an entry in ClinVar:

NM_013275.6(ANKRD11):c.554_555del (p.Lys185fs)

Gene: ANKRD11 (ankyrin repeat domain 11; minus strand). Cytogenetic location: 16q24.3.
Variant type: Deletion.
Coding change: c.554_555del on transcript NM_013275.6 (MANE Select); coding-DNA positions 554 to 555, 2 bases deleted (AA; older notation c.554_555delAA).
Protein change: p.Lys185fs; shifts the reading frame from lysine 185.
Molecular consequence: frameshift variant. On other transcripts: non-coding transcript variant (1).
Genome position (GRCh38, 1-based): chr16:89,290,671-89,290,672, TT deleted on the plus strand (AA on the coding strand, the reverse complement: ANKRD11 is on the minus strand); deleting any 2 consecutive bases within chr16:89,290,671-89,290,673 gives the same sequence; the c. name uses the placement nearest the transcript's 3' end. VCF-style (leftmost placement, unchanged base first): chr16-89290670-CTT-C. GRCh37 (hg19) VCF-style: chr16-89357078-CTT-C.
Other names: c.554_555del, p.Lys185fs (NM_001256182.2, NM_001256183.2); short protein forms K185fs.
Identifiers: ClinVar variation 4886890 (VCV004886890.1).
Genomic context (GRCh38, chr16:89,290,670, plus strand): 5'-GCACAGGGTGCCCACCTGCGAAGTCCTTGACGTTGACGTCTGCCCCCTCGCTGATGAGCT[CTT>C]TGATGCGCCGGGCGTCCCCGCGGATGGCGGCTCGGTGCAGGCGGGTCTCTCCACGCTCGT-3'

ClinVar aggregate classification (germline): Pathogenic (1 of 4 stars; one submission).

Conditions:
KBG syndrome (KBGS). Also called: ANKRD11-Related KBG Syndrome. Identifiers: Orphanet 2332, MedGen C0220687, MONDO:0007846, OMIM 148050.

Submission:

Medical Genetics Center, Maternal and Child Health Hospital of Hubei Province
Classification: Pathogenic for KBG syndrome. Last evaluated: 2026-08-18. Review status: criteria provided, single submitter. Criteria: ACMG Guidelines, 2015. Collection method: clinical testing. Allele origin: de novo. Affected: yes.
Comment: PVS1+PS2_Supporting+PM2_Supporting